The following is an entry in ClinVar:

ClinVar aggregate classification (germline): Uncertain significance (1 of 4 stars; one submission).

Conditions:
Inborn genetic diseases. Identifiers: MedGen C0950123, MeSH D030342.

gnomAD v4.1: 1 of 1,553,742 alleles (0.000064%); highest among the groups gnomAD compares: African/African-American, 0.0013%; no homozygotes.

Submission:

Ambry Genetics
Classification: Uncertain significance for Inborn genetic diseases. Last evaluated: 2025-09-11. Review status: criteria provided, single submitter. Criteria: Ambry Variant Classification Scheme 2023. Collection method: clinical testing. Allele origin: germline.
Comment: The p.G399E variant (also known as c.1196G>A), located in coding exon 5 of the SH2B3 gene, results from a G to A substitution at nucleotide position 1196. The glycine at codon 399 is replaced by glutamic acid, an amino acid with similar properties. This amino acid position is conserved. In addition, this alteration is predicted to be deleterious by in silico analysis. Based on the available evidence, the clinical significance of this variant remains unclear.

NM_005475.3(SH2B3):c.1196G>A (p.Gly399Glu)

Gene: SH2B3 (SH2B adaptor protein 3; plus strand). Cytogenetic location: 12q24.12.
Variant type: single nucleotide variant.
Coding change: c.1196G>A on transcript NM_005475.3 (MANE Select); coding-DNA position 1196, G replaced by A.
Protein change: p.Gly399Glu; replaces glycine 399 with glutamic acid.
Molecular consequence: missense variant.
Genome position (GRCh38, 1-based): chr12:111,447,504, G>A. VCF-style: chr12-111447504-G-A. GRCh37 (hg19) VCF-style: chr12-111885308-G-A.
Other names: c.590G>A, p.Gly197Glu (NM_001291424.1); short protein forms G399E, G197E.
Identifiers: ClinVar variation 4164017 (VCV004164017.1).